The following is an entry in ClinVar:

NM_025074.7(FRAS1):c.11945C>T (p.Pro3982Leu)

Gene: FRAS1 (Fraser extracellular matrix complex subunit 1; plus strand). Cytogenetic location: 4q21.21.
Variant type: single nucleotide variant.
Coding change: c.11945C>T on transcript NM_025074.7 (MANE Select); coding-DNA position 11945, C replaced by T.
Protein change: p.Pro3982Leu; replaces proline 3982 with leucine.
Molecular consequence: missense variant.
Genome position (GRCh38, 1-based): chr4:78,541,030, C>T. VCF-style: chr4-78541030-C-T. GRCh37 (hg19) VCF-style: chr4-79462184-C-T.
Other names: short protein forms P3982L.
Identifiers: ClinVar variation 3381538 (VCV003381538.1).

ClinVar aggregate classification (germline): Uncertain significance (1 of 4 stars; one submission).

gnomAD v4.1: 34 of 1,512,092 alleles (0.0022%); highest among the groups gnomAD compares: African/African-American, 0.044%; no homozygotes.

Submission:

GeneDx
Classification: Uncertain significance. Last evaluated: 2024-05-16. Review status: criteria provided, single submitter. Criteria: GeneDx Variant Classification Process June 2021. Collection method: clinical testing. Allele origin: germline. Affected: yes.
Comment: Observed with a second FRAS1 variant, phase unknown, in a patient with focal segmental glomerulosclerosis in published literature (PMID: 31308072); In silico analysis indicates that this missense variant does not alter protein structure/function; This variant is associated with the following publications: (PMID: 31308072)